The following is an entry in ClinVar:

NM_001358530.2(MOCS1):c.926A>T (p.Glu309Val)

Gene: MOCS1 (molybdenum cofactor synthesis 1; minus strand). Cytogenetic location: 6p21.2.
Variant type: single nucleotide variant.
Coding change: c.926A>T on transcript NM_001358530.2 (MANE Select); coding-DNA position 926, A replaced by T.
Protein change: p.Glu309Val; replaces glutamic acid 309 with valine.
Molecular consequence: missense variant. On other transcripts: non-coding transcript variant (1).
Genome position (GRCh38, 1-based): chr6:39,912,319, T>A on the plus strand (A>T on the coding strand, the complement: MOCS1 is on the minus strand). VCF-style: chr6-39912319-T-A. GRCh37 (hg19) VCF-style: chr6-39880063-T-A.
Other names: c.926A>T, p.Glu309Val (NM_001075098.4, NM_001358529.2, NM_005943.6); c.665A>T, p.Glu222Val (NM_001358531.2, NM_001358533.2, NM_001358534.2); short protein forms E222V, E309V.
Identifiers: ClinVar variation 1448494 (VCV001448494.6), dbSNP rs758233425, ClinGen allele CA364043089.
Genomic context (GRCh38, chr6:39,912,319, plus strand): 5'-CTCACCTTGAGGTTCCCATCAGCTGTGATTCGCAGGCGGTTGCAGGTCCCACAGAAATGC[T>A]CAGACATGGATGTGATGAAGCTGATCTGGCCTTGGAAGCCAGGGATTTTAAAGGCCTGGG-3'
Protein context (NP_001345459.1, residues 299-319): GQISFITSMS[Glu309Val]HFCGTCNRLR

ClinVar aggregate classification (germline): Uncertain significance (1 of 4 stars; one submission).

Conditions:
Sulfite oxidase deficiency due to molybdenum cofactor deficiency type A. Also called: Molybdenum Cofactor Deficiency A; Molybdenum cofactor deficiency, complementation group A. Identifiers: Orphanet 308386, Orphanet 833, MedGen C1854988, MONDO:0009643, OMIM 252150.

Submission:

Labcorp Genetics (formerly Invitae), Labcorp
Classification: Uncertain significance for Sulfite oxidase deficiency due to molybdenum cofactor deficiency type A. Last evaluated: 2022-07-01. Review status: criteria provided, single submitter. Criteria: Invitae Variant Classification Sherloc (09022015). Collection method: clinical testing. Allele origin: germline.
Comment: This variant is not present in population databases (gnomAD no frequency). This sequence change replaces glutamic acid, which is acidic and polar, with valine, which is neutral and non-polar, at codon 309 of the MOCS1 protein (p.Glu309Val). This variant has not been reported in the literature in individuals affected with MOCS1-related conditions. In summary, the available evidence is currently insufficient to determine the role of this variant in disease. Therefore, it has been classified as a Variant of Uncertain Significance. Algorithms developed to predict the effect of missense changes on protein structure and function are either unavailable or do not agree on the potential impact of this missense change (SIFT: "Not Available"; PolyPhen-2: "Probably Damaging"; Align-GVGD: "Not Available"). ClinVar contains an entry for this variant (Variation ID: 1448494).